The following is an entry in ClinVar:

ClinVar aggregate classification (germline): Uncertain significance (1 of 4 stars; one submission).

Submission:

GeneDx
Classification: Uncertain significance. Last evaluated: 2026-10-25. Review status: criteria provided, single submitter. Criteria: GeneDx Variant Classification Process June 2021. Collection method: clinical testing. Allele origin: germline.
Comment: Has not been previously published as pathogenic or benign to our knowledge; Not observed at significant frequency in large population cohorts (gnomAD); In silico analysis supports that this missense variant has a deleterious effect on protein structure/function

NM_032217.5(ANKRD17):c.1115T>C (p.Met372Thr)

Gene: ANKRD17 (ankyrin repeat domain 17; minus strand). Cytogenetic location: 4q13.3.
Variant type: single nucleotide variant.
Coding change: c.1115T>C on transcript NM_032217.5 (MANE Select); coding-DNA position 1115, T replaced by C.
Protein change: p.Met372Thr; replaces methionine 372 with threonine.
Molecular consequence: missense variant.
Genome position (GRCh38, 1-based): chr4:73,153,999, A>G on the plus strand (T>C on the coding strand, the complement: ANKRD17 is on the minus strand). VCF-style: chr4-73153999-A-G. GRCh37 (hg19) VCF-style: chr4-74019716-A-G.
Other names: c.776T>C, p.Met259Thr (NM_001286771.3); c.1115T>C, p.Met372Thr (NM_015574.2, NM_198889.3); short protein forms M259T, M372T.
Identifiers: ClinVar variation 3373264 (VCV003373264.2).
Genomic context (GRCh38, chr4:73,153,999, plus strand): 5'-CCAGCCCCATTTTCTAGCAGCAATCTGGCTACTTCCACATGTCCAGCACTTCCAGCTTCC[A>G]TAAGAGGGGTATGACCATTTTCATTATGGTCCTCAATACTAGCACCGGATTCCAAGAGCA-3'
Protein context (NP_115593.3, residues 362-382): DHNENGHTPL[Met372Thr]EAGSAGHVEV